The following is an entry in ClinVar:

ClinVar aggregate classification (germline): Likely pathogenic. Review status: criteria provided, multiple submitters, no conflicts (2 of 4 stars). 2 submissions from 2 submitters: Likely pathogenic (2). Last evaluated 2026-02-26.

Conditions:
RBMX-related disorder. Also called: RBMX-related condition.

Submissions (2):

Institute for Human Genetics, University Hospital Essen
Classification: Likely pathogenic for RBMX related disorder. Last evaluated: 2026-02-26. Review status: criteria provided, single submitter. Criteria: ACMG Guidelines, 2015. Collection method: clinical testing. Allele origin: unknown. Inheritance: X-linked inheritance. Affected: yes. Observed: 1 variant allele, 1 hemizygote.
Comment: PS3_mod, PM2_mod, PM4_mod

Blueprint Genetics
Classification: Likely pathogenic for RBMX-related disorders. Last evaluated: 2023-10-16. Review status: criteria provided, single submitter. Criteria: ACMG Guidelines, 2015. Collection method: clinical testing. Allele origin: germline. Affected: yes. Observed: 3 variant alleles.

NM_002139.4(RBMX):c.1033C>T (p.Gln345Ter)

Genes: RBMX (RNA binding motif protein X-linked; minus strand), LOC126863330 (MED14-independent group 3 enhancer GRCh37_chrX:135956167-135957366; plus strand). Cytogenetic location: Xq26.3.
Variant type: single nucleotide variant.
Coding change: c.1033C>T on transcript NM_002139.4 (MANE Select); coding-DNA position 1033, C replaced by T.
Protein change: p.Gln345Ter; replaces glutamine 345 with a stop codon.
Molecular consequence: nonsense. On other transcripts: non-coding transcript variant (2), intron variant (1).
Genome position (GRCh38, 1-based): chrX:136,874,285, G>A on the plus strand (C>T on the coding strand, the complement: RBMX is on the minus strand). VCF-style: chrX-136874285-G-A. GRCh37 (hg19) VCF-style: chrX-135956444-G-A.
Other names: c.540+801C>T (NM_001164803.2); short protein forms Q345*.
Identifiers: ClinVar variation 4813206 (VCV004813206.2).
Genomic context (GRCh38, chrX:136,874,285, plus strand): 5'-TGTAGGAATCACGTGGAGGAGGGTACCCCCTTTCCATAGAAGGGGGAAGCCCTCTTTCTT[G>A]TCTGCCAACCCGATCACGACCACTTGAGTAGAGATCACTTCGGCTGCTTGAGTAACTGTC-3'